The following is an entry in ClinVar:

ClinVar aggregate classification (germline): Uncertain significance (1 of 4 stars; one submission).

Conditions:
Axenfeld-Rieger syndrome type 3 (RIEG3). Also called: AXENFELD-RIEGER ANOMALY WITH CARDIAC DEFECTS AND/OR SENSORINEURAL HEARING LOSS. Identifiers: Orphanet 782, MedGen C2678503, MONDO:0011233, OMIM 602482.

gnomAD v4.1: 2 of 1,362,918 alleles (0.00015%); highest among the groups gnomAD compares: South Asian, 0.0019%; no homozygotes.

Submission:

Labcorp Genetics (formerly Invitae), Labcorp
Classification: Uncertain significance for Axenfeld-Rieger syndrome type 3. Last evaluated: 2024-01-01. Review status: criteria provided, single submitter. Criteria: Invitae Variant Classification Sherloc (09022015). Collection method: clinical testing. Allele origin: germline.
Comment: This sequence change affects codon 214 of the FOXC1 mRNA. It is a 'silent' change, meaning that it does not change the encoded amino acid sequence of the FOXC1 protein. This variant is not present in population databases (gnomAD no frequency). This variant has not been reported in the literature in individuals affected with FOXC1-related conditions. In summary, the available evidence is currently insufficient to determine the role of this variant in disease. Therefore, it has been classified as a Variant of Uncertain Significance.

NM_001453.3(FOXC1):c.642C>A (p.Pro214=)

Gene: FOXC1 (forkhead box C1; plus strand). Cytogenetic location: 6p25.3.
Variant type: single nucleotide variant.
Coding change: c.642C>A on transcript NM_001453.3 (MANE Select); coding-DNA position 642, C replaced by A.
Protein change: p.Pro214=; no amino-acid change (proline 214 retained).
Molecular consequence: synonymous variant.
Genome position (GRCh38, 1-based): chr6:1,611,087, C>A. VCF-style: chr6-1611087-C-A. GRCh37 (hg19) VCF-style: chr6-1611322-C-A.
Identifiers: ClinVar variation 2727785 (VCV002727785.3), dbSNP rs1454648859, ClinGen allele CA448393538.